The following is an entry in ClinVar:

ClinVar aggregate classification (germline): Uncertain significance (1 of 4 stars; one submission).

Conditions:
Neurofibromatosis, type 2 (SWNV). Also called: BILATERAL ACOUSTIC NEUROFIBROMATOSIS; SCHWANNOMATOSIS, VESTIBULAR; NF2-Related Schwannomatosis. Identifiers: Orphanet 637, MedGen C0027832, MONDO:0007039, OMIM 101000. Disease mechanism: loss of function.

Submission:

Labcorp Genetics (formerly Invitae), Labcorp
Classification: Uncertain significance for Neurofibromatosis, type 2. Last evaluated: 2017-04-25. Review status: criteria provided, single submitter. Criteria: Invitae Variant Classification Sherloc (09022015). Collection method: clinical testing. Allele origin: germline.
Comment: This variant is a gross duplication of the genomic region encompassing exons 13-16 of the NF2 gene. The 5' boundary is likely confined to intron 12. The 3' end of this event is unknown as it extends beyond the assayed region for this gene and therefore may encompass additional genes. This variant has not been reported in the literature in individuals with a NF2-related disease. In summary, the exact genomic location of this variant is unknown and the impact of this duplication on NF2 protein function has not been established. Therefore, it has been classified as a Variant of Uncertain Significance.

NC_000022.10:g.(?_30070819)_(30090797_?)dup

Gene: NF2 (NF2, moesin-ezrin-radixin like (MERLIN) tumor suppressor; plus strand). Cytogenetic location: 22q12.2.
Variant type: Duplication.
Identifiers: ClinVar variation 457884 (VCV000457884.2).